The following is an entry in ClinVar:

NM_000387.6(SLC25A20):c.608+13_608+14del

Gene: SLC25A20 (solute carrier family 25 member 20; minus strand). Cytogenetic location: 3p21.31.
Variant type: Deletion.
Coding change: c.608+13_608+14del on transcript NM_000387.6 (MANE Select); bases 13 to 14 of the intron after coding-DNA position 608, 2 bases deleted (TA; older notation c.608+13_608+14delTA).
Molecular consequence: intron variant.
Genome position (GRCh38, 1-based): chr3:48,859,541-48,859,542, TA deleted on the plus strand (TA on the coding strand, the reverse complement: SLC25A20 is on the minus strand); deleting any 2 consecutive bases within chr3:48,859,541-48,859,543 gives the same sequence; the c. name uses the placement nearest the transcript's 3' end. VCF-style (leftmost placement, unchanged base first): chr3-48859540-TTA-T. GRCh37 (hg19) VCF-style: chr3-48896973-TTA-T.
Other names: c.608+13_608+14delTA (NM_000387.5).
Identifiers: ClinVar variation 508212 (VCV000508212.1), dbSNP rs1553684710, ClinGen allele CA658796308.

ClinVar aggregate classification (germline): Likely benign (1 of 4 stars; one submission).

Submission:

GeneDx
Classification: Likely benign. Last evaluated: 2017-03-29. Review status: criteria provided, single submitter. Criteria: GeneDx Variant Classification (06012015). Collection method: clinical testing. Allele origin: germline. Affected: yes.
Comment: This variant is considered likely benign or benign based on one or more of the following criteria: it is a conservative change, it occurs at a poorly conserved position in the protein, it is predicted to be benign by multiple in silico algorithms, and/or has population frequency not consistent with disease.